The following is an entry in ClinVar:

NM_001304360.2(CFAP74):c.3622G>A (p.Asp1208Asn)

Gene: CFAP74 (cilia and flagella associated protein 74; minus strand). Cytogenetic location: 1p36.33.
Variant type: single nucleotide variant.
Coding change: c.3622G>A on transcript NM_001304360.2 (MANE Select); coding-DNA position 3622, G replaced by A.
Protein change: p.Asp1208Asn; replaces aspartic acid 1208 with asparagine.
Molecular consequence: missense variant.
Genome position (GRCh38, 1-based): chr1:1,926,934, C>T on the plus strand (G>A on the coding strand, the complement: CFAP74 is on the minus strand). VCF-style: chr1-1926934-C-T. GRCh37 (hg19) VCF-style: chr1-1858373-C-T.
Other names: short protein forms D1208N.
Identifiers: ClinVar variation 4988570 (VCV004988570.1).

ClinVar aggregate classification (germline): Uncertain significance (1 of 4 stars; one submission).

Conditions:
CFAP74-related disorder. Also called: CFAP74-related condition.

gnomAD v4.1: 31 of 1,550,232 alleles (0.002%); highest among the groups gnomAD compares: Admixed American, 0.0098%; no homozygotes.

Submission:

PreventionGenetics, part of Exact Sciences
Classification: Uncertain significance for CFAP74-related condition. Last evaluated: 2025-01-24. Review status: criteria provided, single submitter. Criteria: ACMG Guidelines, 2015. Collection method: clinical testing. Allele origin: germline.
Comment: The CFAP74 c.3622G>A variant is predicted to result in the amino acid substitution p.Asp1208Asn. To our knowledge, this variant has not been reported in the literature. This variant is reported in 0.020% of alleles in individuals of Latino descent in gnomAD. At this time, the clinical significance of this variant is uncertain due to the absence of conclusive functional and genetic evidence.